The following is an entry in ClinVar:

NM_000258.3(MYL3):c.461G>A (p.Arg154His)

Gene: MYL3 (myosin light chain 3; minus strand). Cytogenetic location: 3p21.31.
Variant type: single nucleotide variant.
Coding change: c.461G>A on transcript NM_000258.3 (MANE Select); coding-DNA position 461, G replaced by A.
Protein change: p.Arg154His; replaces arginine 154 with histidine.
Molecular consequence: missense variant.
Genome position (GRCh38, 1-based): chr3:46,859,495, C>T on the plus strand (G>A on the coding strand, the complement: MYL3 is on the minus strand). VCF-style: chr3-46859495-C-T. GRCh37 (hg19) VCF-style: chr3-46900985-C-T.
Other names: short protein forms R154H.
Identifiers: ClinVar variation 14062 (VCV000014062.36), dbSNP rs104893749, ClinGen allele CA013861.

ClinVar aggregate classification (germline): Uncertain significance. Review status: reviewed by expert panel (3 of 4 stars). 17 submissions from 17 submitters: Uncertain significance (1). 16 of the submissions do not count toward it. Last evaluated 2025-11-14.

Conditions:
MYL3-related disorder. Also called: MYL3-related condition.
Cardiovascular phenotype. Identifiers: MedGen CN230736.
Cardiomyopathy (CMYO). Also called: Cardiomyopathies. Identifiers: Orphanet 167848, MedGen C0878544, MONDO:0004994, HP:0001638. Inheritance: Various modes of inheritance.
Hypertrophic cardiomyopathy 8. Also called: MYL3-Related Familial Hypertrophic Cardiomyopathy; CARDIOMYOPATHY, HYPERTROPHIC, MID-LEFT VENTRICULAR CHAMBER TYPE, 1. Identifiers: MedGen C1837471, MONDO:0012111, OMIM 608751.
Cardiomyopathy, familial restrictive, 1. Identifiers: Orphanet 75249, MedGen C1861861, MONDO:0007270, OMIM 115210.
Hypertrophic cardiomyopathy. Also called: HYPERTROPHIC MYOCARDIOPATHY. Identifiers: Orphanet 217569, MedGen C0007194, MeSH D002312, MONDO:0005045, HP:0001639.

Allele frequency attached by ClinVar (database versions not stated): gnomAD 0.00002; TOPMed 0.00002.
gnomAD v4.1: 55 of 1,614,070 alleles (0.0034%); highest among the groups gnomAD compares: Non-Finnish European, 0.0044%; no homozygotes.

Submissions 1 to 6 of 17:

ClinGen Cardiomyopathy Variant Curation Expert Panel
Classification: Uncertain significance for Hypertrophic cardiomyopathy. Last evaluated: 2025-11-14. Review status: reviewed by expert panel. Criteria: ClinGen CMP ACMG Specifications MYL3 V1.0.0. Collection method: curation. Allele origin: germline. Inheritance: Autosomal dominant inheritance.
Comment: NM_000258.3(MYL3):c.461G>A (p.Arg154His). This variant has been reported in individuals with HCM and other cardiomyopathies (ClinVar Variation ID: 14062), and has also been identified in 8 out of 282774 (0.005% FAF 95% CI) of pan-ethnic chromosomes in gnomAD (v2.1). This variant is not statistically increased in individuals with HCM compared to controls; [OR lower 95% CI <5]. Therefore, the PS4 criteria has not been applied and the PM2_Supporting criterion has not been applied. This variant segregated with disease in 1 affected relative with HCM (Ross 2017 PMID: 28615295). However, this data is currently insufficient to establish co-segregation with disease and apply PP1. In vitro functional studies provide some evidence that this variant could impact protein function (Lossie 2012 PMID: 22131351); however, this data is currently insufficient to establish functional impact and apply PS3. Computational prediction tools and conservation analyses suggest that this variant may impact the protein (PP3; REVEL score ≥0.70). In summary, due to insufficient evidence, this variant is classified as uncertain significance for hypertrophic cardiomyopathy in an autosomal dominant manner. ACMG/AMP Criteria applied. MYL2-specific ACMG/AMP criteria applied: PP3.

PreventionGenetics, part of Exact Sciences
Classification: Uncertain significance for MYL3-related condition. Last evaluated: 2026-09-21. Review status: criteria provided, single submitter. Criteria: ACMG Guidelines, 2015. Collection method: clinical testing. Allele origin: germline. Not counted in ClinVar's aggregate classification.
Comment: The MYL3 c.461G>A variant is predicted to result in the amino acid substitution p.Arg154His. This variant has been reported in the heterozygous state in multiple individuals with hypertrophic cardiomyopathy (Ross et al. 2017. PubMed ID: 28615295; Table S2, Sepp et al. 2022. PubMed ID: 35626289; Table S8, McGurk et al. 2023. PubMed ID: 37652022). This variant has also been reported in the homozygous state in an individual with restrictive cardiomyopathy (Table S5, Klauke et al. 2017. PubMed ID: 29253866). This variant is reported in 0.0050% of alleles in individuals of East Asian descent in gnomAD. An in vitro experimental study suggests this variant may reduce MYH affinity relative to wild-type (Lossie et al. 2011. PubMed ID: 22131351). An alternate missense substitution affecting the same amino acid (p.Arg154Cys) has been reported in individuals with hypertrophic cardiomyopathy (Zou et al. 2013. PubMed ID: 23283745, Table S1, Walsh et al. 2016. PubMed ID: 27532257; Table S8, McGurk et al. 2023. PubMed ID: 37652022). This variant is interpreted as uncertain for autosomal dominant hypertrophic cardiomyopathy by the ClinGen Cardiomyopathy Variant Curation Expert Panel (Variation ID: 14062). At this time, the clinical significance of the c.461G>A (p.Arg154His) variant is uncertain due to the absence of conclusive functional and genetic evidence.

Labcorp Genetics (formerly Invitae), Labcorp
Classification: Uncertain significance for Hypertrophic cardiomyopathy. Last evaluated: 2026-01-04. Review status: criteria provided, single submitter. Criteria: Invitae Variant Classification Sherloc (09022015). Collection method: clinical testing. Allele origin: germline. Not counted in ClinVar's aggregate classification.
Comment: This sequence change replaces arginine, which is basic and polar, with histidine, which is basic and polar, at codon 154 of the MYL3 protein (p.Arg154His). This variant is present in population databases (rs104893749, gnomAD 0.005%). This missense change has been observed in individual(s) with hypertrophic cardiomyopathy, arrhythmogenic right ventricular cardiomyopathy, and/or restrictive cardiomyopathy (PMID: 8673105, 27532257, 28790153, 29253866, 29709087, 35626289). ClinVar contains an entry for this variant (Variation ID: 14062). An algorithm developed to predict the effect of missense changes on protein structure and function (PolyPhen-2) suggests that this variant is likely to be tolerated. Experimental studies have shown that this missense change affects MYL3 function (PMID: 22131351). This variant disrupts the p.Arg154 amino acid residue in MYL3. Other variant(s) that disrupt this residue have been observed in individuals with MYL3-related conditions (PMID: 23283745, 31110529), which suggests that this may be a clinically significant amino acid residue. In summary, the available evidence is currently insufficient to determine the role of this variant in disease. Therefore, it has been classified as a Variant of Uncertain Significance.

Ambry Genetics
Classification: Uncertain significance for Cardiovascular phenotype. Last evaluated: 2025-09-30. Review status: criteria provided, single submitter. Criteria: Ambry Variant Classification Scheme 2023. Collection method: clinical testing. Allele origin: germline. Not counted in ClinVar's aggregate classification.
Comment: The p.R154H variant (also known as c.461G>A), located in coding exon 4 of the MYL3 gene, results from a G to A substitution at nucleotide position 461. The arginine at codon 154 is replaced by histidine, an amino acid with highly similar properties. This variant has been identified in the heterozygous state in multiple individuals diagnosed with hypertrophic cardiomyopathy (HCM) (Poetter K et al. Nat. Genet., 1996 May;13:63-9; Walsh R et al. Genet. Med., 2017 02;19:192-203; Burns C et al. Circ Cardiovasc Genet, 2017 Aug;10; Murray B et al. J. Cardiovasc. Electrophysiol., 2018 07;29:1004-1009; Ross SB et al. Circ Cardiovasc Genet, 2017 Jun;10; Ingles J et al. Circ Cardiovasc Genet, 2017 Apr;10; Miller EM et al. J Genet Couns, 2013 Apr;22:258-67). It has also been seen in the homozygous state in one individual with sporadic restricted cardiomyopathy whose heterozygous parents had no clinical cardiac features (Klauke B et al. PLoS ONE, 2017 Dec;12:e0189489). An experimental study has shown that this variant may contribute to reduced binding affinity of the myosin heavy chain, but the clinical relevance of that change is unclear (Lossie J et al. Cardiovasc. Res., 2012 Mar;93:390-6). This amino acid position is highly conserved in available vertebrate species. In addition, this alteration is predicted to be deleterious by in silico analysis. Since supporting evidence is limited at this time, the clinical significance of this alteration remains unclear.

Color Diagnostics, LLC DBA Color Health
Classification: Uncertain significance for Cardiomyopathy. Last evaluated: 2025-06-18. Review status: criteria provided, single submitter. Criteria: ACMG Guidelines, 2015. Collection method: clinical testing. Allele origin: germline. Not counted in ClinVar's aggregate classification.
Comment: This missense variant replaces arginine with histidine at codon 154 of the MYL3 protein. Computational prediction suggests that this variant may have a deleterious impact on protein structure and function. A functional study has shown that this variant causes a lower affinity for the myosin heavy chain (PMID: 22131351). This variant has been reported in several individuals affected with hypertrophic cardiomyopathy (PMID: 23054336, 27532257, 28408708, 28790153, 35626289). One of these individuals also carried a pathogenic truncation variant in the MYBPC3 gene (PMID: 23054336). This variant has also been reported in a child affected with massive mid left ventricular chamber obstruction (PMID: 8673105) and in an individual affected with arrhythmogenic right ventricular cardiomyopathy (PMID: 29709087). This variant has been identified in 8/282774 chromosomes in the general population by the Genome Aggregation Database (gnomAD). The available evidence is insufficient to determine the role of this variant in disease conclusively. Therefore, this variant is classified as a Variant of Uncertain Significance.

Blueprint Genetics
Classification: Uncertain significance. Last evaluated: 2024-08-20. Review status: criteria provided, single submitter. Criteria: ACMG Guidelines, 2015. Collection method: clinical testing. Allele origin: germline. Not counted in ClinVar's aggregate classification.